The following is an entry in ClinVar:

ClinVar aggregate classification (germline): Uncertain significance. Review status: criteria provided, multiple submitters, no conflicts (2 of 4 stars). 2 submissions from 2 submitters: Uncertain significance (2). Last evaluated 2024-07-23.

Conditions:
Myofibrillar myopathy 5. Also called: FILAMINOPATHY, AUTOSOMAL DOMINANT; Filaminopathy (type). Identifiers: Orphanet 171445, MedGen C1836050, MONDO:0012289, OMIM 609524.
Distal myopathy with posterior leg and anterior hand involvement. Also called: WILLIAMS DISTAL MYOPATHY. Identifiers: Orphanet 63273, MedGen C3279722, MONDO:0013550, OMIM 614065.
Hypertrophic cardiomyopathy 26. Also called: Cardiomyopathy, familial hypertrophic, 26. Identifiers: Orphanet 75249, MedGen C4310749, MONDO:0014883, OMIM 617047.
Cardiovascular phenotype. Identifiers: MedGen CN230736.

Submissions (2):

Labcorp Genetics (formerly Invitae), Labcorp
Classification: Uncertain significance for Distal myopathy with posterior leg and anterior hand involvement; Myofibrillar myopathy 5; Hypertrophic cardiomyopathy 26. Last evaluated: 2024-07-23. Review status: criteria provided, single submitter. Criteria: Invitae Variant Classification Sherloc (09022015). Collection method: clinical testing. Allele origin: germline.
Comment: This sequence change replaces valine, which is neutral and non-polar, with isoleucine, which is neutral and non-polar, at codon 1503 of the FLNC protein (p.Val1503Ile). This variant is present in population databases (no rsID available, gnomAD 0.006%). This variant has not been reported in the literature in individuals affected with FLNC-related conditions. ClinVar contains an entry for this variant (Variation ID: 2161895). Advanced modeling of protein sequence and biophysical properties (such as structural, functional, and spatial information, amino acid conservation, physicochemical variation, residue mobility, and thermodynamic stability) has been performed at Invitae for this missense variant, however the output from this modeling did not meet the statistical confidence thresholds required to predict the impact of this variant on FLNC protein function. In summary, the available evidence is currently insufficient to determine the role of this variant in disease. Therefore, it has been classified as a Variant of Uncertain Significance.

Ambry Genetics
Classification: Uncertain significance for Cardiovascular phenotype. Last evaluated: 2023-06-22. Review status: criteria provided, single submitter. Criteria: Ambry Variant Classification Scheme 2023. Collection method: clinical testing. Allele origin: germline.
Comment: The p.V1503I variant (also known as c.4507G>A), located in coding exon 26 of the FLNC gene, results from a G to A substitution at nucleotide position 4507. The valine at codon 1503 is replaced by isoleucine, an amino acid with highly similar properties. This amino acid position is conserved. In addition, this alteration is predicted to be tolerated by in silico analysis. Since supporting evidence is limited at this time, the clinical significance of this alteration remains unclear.

NM_001458.5(FLNC):c.4507G>A (p.Val1503Ile)

Gene: FLNC (filamin C; plus strand). Cytogenetic location: 7q32.1.
Variant type: single nucleotide variant.
Coding change: c.4507G>A on transcript NM_001458.5 (MANE Select); coding-DNA position 4507, G replaced by A.
Protein change: p.Val1503Ile; replaces valine 1503 with isoleucine.
Molecular consequence: missense variant.
Genome position (GRCh38, 1-based): chr7:128,847,995, G>A. VCF-style: chr7-128847995-G-A. GRCh37 (hg19) VCF-style: chr7-128488049-G-A.
Other names: c.4507G>A, p.Val1503Ile (NM_001127487.2); short protein forms V1503I.
Identifiers: ClinVar variation 2161895 (VCV002161895.6), dbSNP rs1345005844, ClinGen allele CA369201905.